The following is an entry in ClinVar:

NM_003200.5(TCF3):c.827A>C (p.Tyr276Ser)

Gene: TCF3 (transcription factor 3; minus strand). Cytogenetic location: 19p13.3.
Variant type: single nucleotide variant.
Coding change: c.827A>C on transcript NM_003200.5 (MANE Select); coding-DNA position 827, A replaced by C.
Protein change: p.Tyr276Ser; replaces tyrosine 276 with serine.
Molecular consequence: missense variant.
Genome position (GRCh38, 1-based): chr19:1,621,966, T>G on the plus strand (A>C on the coding strand, the complement: TCF3 is on the minus strand). VCF-style: chr19-1621966-T-G. GRCh37 (hg19) VCF-style: chr19-1621965-T-G.
Other names: c.827A>C, p.Tyr276Ser (NM_001136139.4, NM_001351778.2, NM_001351779.2); short protein forms Y276S.
Identifiers: ClinVar variation 4993966 (VCV004993966.1).

ClinVar aggregate classification (germline): Uncertain significance (1 of 4 stars; one submission).

Conditions:
TCF3-related disorder. Also called: TCF3-related condition.

gnomAD v4.1: 9 of 1,605,628 alleles (0.00056%); highest among the groups gnomAD compares: South Asian, 0.01%; no homozygotes.

Submission:

PreventionGenetics, part of Exact Sciences
Classification: Uncertain significance for TCF3-related condition. Last evaluated: 2025-10-01. Review status: criteria provided, single submitter. Criteria: ACMG Guidelines, 2015. Collection method: clinical testing. Allele origin: germline.
Comment: The TCF3 c.827A>C variant is predicted to result in the amino acid substitution p.Tyr276Ser. To our knowledge, this variant has not been reported in the literature. This variant is reported in 0.0069% of alleles in individuals of South Asian descent in gnomAD. At this time, the clinical significance of this variant is uncertain due to the absence of conclusive functional and genetic evidence.